The following is an entry in ClinVar:

ClinVar aggregate classification (germline): Uncertain significance (1 of 4 stars; one submission).

Conditions:
Charcot-Marie-Tooth Disease, axonal, type 2GG (CMT2GG). Also called: Charcot-Marie-Tooth disease dominant intermediate II; Charcot-Marie-Tooth neuropathy, type 2GG; Charcot-Marie-Tooth neuropathy, axonal, type 2GG. Identifiers: Orphanet 100043, MedGen C5561933, MONDO:0011675, OMIM 606483.

gnomAD v4.1: 4 of 1,608,082 alleles (0.00025%); highest among the groups gnomAD compares: South Asian, 0.0022%; no homozygotes.

Submission:

Kariminejad - Najmabadi Pathology & Genetics Center
Classification: Uncertain significance for Charcot-Marie-Tooth Disease, axonal, type 2GG. Last evaluated: 2022-08-13. Review status: criteria provided, single submitter. Criteria: ACMG Guidelines, 2015. Collection method: clinical testing. Allele origin: germline. Inheritance: Autosomal dominant inheritance. Affected: yes.
Comment: PM2

NM_001377137.1(GBF1):c.1436G>A (p.Arg479Gln)

Gene: GBF1 (golgi brefeldin A resistant guanine nucleotide exchange factor 1; plus strand). Cytogenetic location: 10q24.32.
Variant type: single nucleotide variant.
Coding change: c.1436G>A on transcript NM_001377137.1 (MANE Select); coding-DNA position 1436, G replaced by A.
Protein change: p.Arg479Gln; replaces arginine 479 with glutamine.
Molecular consequence: missense variant. On other transcripts: non-coding transcript variant (5), intron variant (2).
Genome position (GRCh38, 1-based): chr10:102,361,065, G>A. VCF-style: chr10-102361065-G-A. GRCh37 (hg19) VCF-style: chr10-104120822-G-A.
Other names: c.1436G>A, p.Arg479Gln (NM_001199378.2, NM_001391923.1, NM_001391926.1); c.1433G>A, p.Arg478Gln (NM_001199379.2, NM_001377138.1, NM_001377141.1 and 7 more transcripts); c.1532G>A, p.Arg511Gln (NM_001391922.1, NM_001411027.1); c.1055G>A, p.Arg352Gln (NM_001391931.1); c.1508G>A, p.Arg503Gln (NM_001411003.1); c.1389+670G>A (NM_001377139.1, NM_001377140.1); short protein forms R352Q, R478Q, R479Q, R503Q, R511Q.
Identifiers: ClinVar variation 3896874 (VCV003896874.1).